The following is an entry in ClinVar:

ClinVar aggregate classification (germline): Uncertain significance (1 of 4 stars; one submission).

gnomAD v4.1: 2 of 1,611,482 alleles (0.00012%); highest among the groups gnomAD compares: South Asian, 0.0011%; no homozygotes.

Submission:

GeneDx
Classification: Uncertain significance. Last evaluated: 2025-07-08. Review status: criteria provided, single submitter. Criteria: GeneDx Variant Classification Process June 2021. Collection method: clinical testing. Allele origin: germline. Affected: yes.
Comment: Not observed at significant frequency in large population cohorts (gnomAD); In silico analysis suggests that this missense variant does not alter protein structure/function; Has not been previously published as pathogenic or benign to our knowledge; This variant is associated with the following publications: (PMID: 22508754)

NM_007254.4(PNKP):c.46C>T (p.Pro16Ser)

Gene: PNKP (polynucleotide kinase 3'-phosphatase; minus strand). Cytogenetic location: 19q13.33.
Variant type: single nucleotide variant.
Coding change: c.46C>T on transcript NM_007254.4 (MANE Select); coding-DNA position 46, C replaced by T.
Protein change: p.Pro16Ser; replaces proline 16 with serine.
Molecular consequence: missense variant.
Genome position (GRCh38, 1-based): chr19:49,867,159, G>A on the plus strand (C>T on the coding strand, the complement: PNKP is on the minus strand). VCF-style: chr19-49867159-G-A. GRCh37 (hg19) VCF-style: chr19-50370416-G-A.
Other names: short protein forms P16S.
Identifiers: ClinVar variation 4685300 (VCV004685300.1).
Genomic context (GRCh38, chr19:49,867,159, plus strand): 5'-CCCTGCCCAGGACCAGGGCTTGCCCGTCCGAGGGCAGGAAGATGGGGGGCGCTCCCCCAG[G>A]GGGGCTCTCGAGCCACAAGCGGCCCGGGGCCTCCACCTCGCCCATCCTGGGTGCCGGCCT-3'
Protein context (NP_009185.2, residues 6-26): APGRLWLESP[Pro16Ser]GGAPPIFLPS